The following is an entry in ClinVar:

ClinVar aggregate classification (germline): Uncertain significance (1 of 4 stars; one submission).

Conditions:
Congenital disorder of glycosylation, type IIq. Also called: CDG IIq. Identifiers: Orphanet 435934, MedGen C4479353, MONDO:0054559, OMIM 617395.

Allele frequency attached by ClinVar (database versions not stated): gnomAD exomes below 0.00001.
gnomAD v4.1: 1 of 1,600,740 alleles (0.000062%); highest among the groups gnomAD compares: Non-Finnish European, 0.000085%; no homozygotes.

Submission:

Labcorp Genetics (formerly Invitae), Labcorp
Classification: Uncertain significance for Congenital disorder of glycosylation, type IIq. Last evaluated: 2019-09-03. Review status: criteria provided, single submitter. Criteria: Invitae Variant Classification Sherloc (09022015). Collection method: clinical testing. Allele origin: germline.
Comment: In summary, the available evidence is currently insufficient to determine the role of this variant in disease. Therefore, it has been classified as a Variant of Uncertain Significance. Algorithms developed to predict the effect of missense changes on protein structure and function (SIFT, PolyPhen-2, Align-GVGD) all suggest that this variant is likely to be tolerated, but these predictions have not been confirmed by published functional studies and their clinical significance is uncertain. This variant has not been reported in the literature in individuals with COG2-related conditions. This variant is not present in population databases (ExAC no frequency). This sequence change replaces isoleucine with threonine at codon 541 of the COG2 protein (p.Ile541Thr). The isoleucine residue is highly conserved and there is a moderate physicochemical difference between isoleucine and threonine.

NM_007357.3(COG2):c.1622T>C (p.Ile541Thr)

Gene: COG2 (component of oligomeric golgi complex 2; plus strand). Cytogenetic location: 1q42.2.
Variant type: single nucleotide variant.
Coding change: c.1622T>C on transcript NM_007357.3 (MANE Select); coding-DNA position 1622, T replaced by C.
Protein change: p.Ile541Thr; replaces isoleucine 541 with threonine.
Molecular consequence: missense variant.
Genome position (GRCh38, 1-based): chr1:230,688,114, T>C. VCF-style: chr1-230688114-T-C. GRCh37 (hg19) VCF-style: chr1-230823860-T-C.
Other names: c.1622T>C, p.Ile541Thr (NM_001145036.2); short protein forms I541T.
Identifiers: ClinVar variation 961335 (VCV000961335.6), dbSNP rs1662927499, ClinGen allele CA345197783.